The following is an entry in ClinVar:

NM_003906.5(MCM3AP):c.3688A>G (p.Lys1230Glu)

Gene: MCM3AP (minichromosome maintenance complex component 3 associated protein; minus strand). Cytogenetic location: 21q22.3.
Variant type: single nucleotide variant.
Coding change: c.3688A>G on transcript NM_003906.5 (MANE Select); coding-DNA position 3688, A replaced by G.
Protein change: p.Lys1230Glu; replaces lysine 1230 with glutamic acid.
Molecular consequence: missense variant.
Genome position (GRCh38, 1-based): chr21:46,258,985, T>C on the plus strand (A>G on the coding strand, the complement: MCM3AP is on the minus strand). VCF-style: chr21-46258985-T-C. GRCh37 (hg19) VCF-style: chr21-47678899-T-C.
Other names: short protein forms K1230E.
Identifiers: ClinVar variation 1492874 (VCV001492874.4), dbSNP rs762723515, ClinGen allele CA410552442.

ClinVar aggregate classification (germline): Uncertain significance (1 of 4 stars; one submission).

Allele frequency attached by ClinVar (database versions not stated): gnomAD exomes below 0.00001; gnomAD 0.00001.
gnomAD v4.1: 5 of 1,613,998 alleles (0.00031%); highest among the groups gnomAD compares: African/African-American, 0.004%; no homozygotes.

Submission:

Labcorp Genetics (formerly Invitae), Labcorp
Classification: Uncertain significance. Last evaluated: 2021-08-07. Review status: criteria provided, single submitter. Criteria: Invitae Variant Classification Sherloc (09022015). Collection method: clinical testing. Allele origin: germline.
Comment: This sequence change replaces lysine with glutamic acid at codon 1230 of the MCM3AP protein (p.Lys1230Glu). The lysine residue is highly conserved and there is a small physicochemical difference between lysine and glutamic acid. This variant is not present in population databases (ExAC no frequency). This variant has not been reported in the literature in individuals affected with MCM3AP-related conditions. Algorithms developed to predict the effect of missense changes on protein structure and function are either unavailable or do not agree on the potential impact of this missense change (SIFT: "Deleterious"; PolyPhen-2: "Possibly Damaging"; Align-GVGD: "Class C0"). In summary, the available evidence is currently insufficient to determine the role of this variant in disease. Therefore, it has been classified as a Variant of Uncertain Significance.